The following is an entry in ClinVar:

NM_006922.4(SCN3A):c.3500C>G (p.Ala1167Gly)

Gene: SCN3A (sodium voltage-gated channel alpha subunit 3; minus strand). Cytogenetic location: 2q24.3.
Variant type: single nucleotide variant.
Coding change: c.3500C>G on transcript NM_006922.4 (MANE Select); coding-DNA position 3500, C replaced by G.
Protein change: p.Ala1167Gly; replaces alanine 1167 with glycine.
Molecular consequence: missense variant.
Genome position (GRCh38, 1-based): chr2:165,115,469, G>C on the plus strand (C>G on the coding strand, the complement: SCN3A is on the minus strand). VCF-style: chr2-165115469-G-C. GRCh37 (hg19) VCF-style: chr2-165971979-G-C.
Other names: c.3353C>G, p.Ala1118Gly (NM_001081676.2, NM_001081677.2); short protein forms A1118G, A1167G.
Identifiers: ClinVar variation 4976162 (VCV004976162.1).

ClinVar aggregate classification (germline): Uncertain significance (1 of 4 stars; one submission).

gnomAD v4.1: 1 of 1,613,626 alleles (0.000062%); highest among the groups gnomAD compares: Non-Finnish European, 0.000085%; no homozygotes.

Submission:

GeneDx
Classification: Uncertain significance. Last evaluated: 2026-02-03. Review status: criteria provided, single submitter. Criteria: GeneDx Variant Classification Process June 2021. Collection method: clinical testing. Allele origin: germline.
Comment: Not observed at significant frequency in large population cohorts (gnomAD); In silico analysis supports that this missense variant has a deleterious effect on protein structure/function; Has not been previously published as pathogenic or benign to our knowledge